The following is an entry in ClinVar:

NM_003383.5(VLDLR):c.1235A>G (p.Asn412Ser)

Gene: VLDLR (very low density lipoprotein receptor; plus strand). Cytogenetic location: 9p24.2.
Variant type: single nucleotide variant.
Coding change: c.1235A>G on transcript NM_003383.5 (MANE Select); coding-DNA position 1235, A replaced by G.
Protein change: p.Asn412Ser; replaces asparagine 412 with serine.
Molecular consequence: missense variant.
Genome position (GRCh38, 1-based): chr9:2,645,005, A>G. VCF-style: chr9-2645005-A-G. GRCh37 (hg19) VCF-style: chr9-2645005-A-G.
Other names: c.1235A>G, p.Asn412Ser (NM_001018056.3); c.1112A>G, p.Asn371Ser (NM_001322225.2, NM_001322226.2); short protein forms N412S, N371S.
Identifiers: ClinVar variation 2259975 (VCV002259975.2), dbSNP rs1482552109, ClinGen allele CA372793875.

ClinVar aggregate classification (germline): Uncertain significance (1 of 4 stars; one submission).

Conditions:
Inborn genetic diseases. Identifiers: MedGen C0950123, MeSH D030342.

Allele frequency attached by ClinVar (database versions not stated): gnomAD exomes below 0.00001; TOPMed 0.00002.
gnomAD v4.1: 1 of 1,614,202 alleles (0.000062%); highest among the groups gnomAD compares: African/African-American, 0.0013%; no homozygotes.

Submission:

Ambry Genetics
Classification: Uncertain significance for Inborn genetic diseases. Last evaluated: 2021-12-15. Review status: criteria provided, single submitter. Criteria: Ambry Variant Classification Scheme 2023. Collection method: clinical testing. Allele origin: germline.
Comment: The c.1235A>G (p.N412S) alteration is located in exon 9 (coding exon 9) of the VLDLR gene. This alteration results from a A to G substitution at nucleotide position 1235, causing the asparagine (N) at amino acid position 412 to be replaced by a serine (S). This variant was not reported in population-based cohorts in the Genome Aggregation Database (gnomAD). This amino acid position is highly conserved in available vertebrate species. The in silico prediction for this alteration is inconclusive. Based on insufficient or conflicting evidence, the clinical significance of this alteration remains unclear.